The following is an entry in ClinVar:

NM_024740.2(ALG9):c.1470C>T (p.Asp490=)

Gene: ALG9 (ALG9 alpha-1,2-mannosyltransferase; minus strand). Cytogenetic location: 11q23.1.
Variant type: single nucleotide variant.
Coding change: c.1470C>T on transcript NM_024740.2 (MANE Select); coding-DNA position 1470, C replaced by T.
Protein change: p.Asp490=; no amino-acid change (aspartic acid 490 retained).
Molecular consequence: synonymous variant. On other transcripts: non-coding transcript variant (1).
Genome position (GRCh38, 1-based): chr11:111,837,470, G>A on the plus strand (C>T on the coding strand, the complement: ALG9 is on the minus strand). VCF-style: chr11-111837470-G-A. GRCh37 (hg19) VCF-style: chr11-111708193-G-A.
Other names: c.1449C>T, p.Asp483= (NM_001077690.1, NM_001352417.1); c.957C>T, p.Asp319= (NM_001077691.2, NM_001352413.1, NM_001352414.2 and 1 more transcripts); c.936C>T, p.Asp312= (NM_001077692.2, NM_001352409.1, NM_001352410.1 and 6 more transcripts); c.1326C>T, p.Asp442= (NM_001352418.1); c.861C>T, p.Asp287= (NM_001352422.2); c.813C>T, p.Asp271= (NM_001352423.2).
Identifiers: ClinVar variation 511378 (VCV000511378.1), dbSNP rs546454896, ClinGen allele CA6274419.

ClinVar aggregate classification (germline): Likely benign (1 of 4 stars; one submission).

Allele frequency attached by ClinVar (database versions not stated): gnomAD exomes below 0.00001; TOPMed below 0.00001; ExAC 0.00001; gnomAD 0.00001; 1000 Genomes Project 30x 0.00016; 1000 Genomes Project 0.00020.
gnomAD v4.1: 3 of 1,614,038 alleles (0.00019%); highest among the groups gnomAD compares: African/African-American, 0.0027%; no homozygotes.

Submission:

GeneDx
Classification: Likely benign. Last evaluated: 2017-08-17. Review status: criteria provided, single submitter. Criteria: GeneDx Variant Classification (06012015). Collection method: clinical testing. Allele origin: germline. Affected: yes.
Comment: This variant is considered likely benign or benign based on one or more of the following criteria: it is a conservative change, it occurs at a poorly conserved position in the protein, it is predicted to be benign by multiple in silico algorithms, and/or has population frequency not consistent with disease.